The following is an entry in ClinVar:

ClinVar aggregate classification (germline): Uncertain significance (1 of 4 stars; one submission).

Conditions:
UMOD-related disorder. Also called: UMOD-related condition.

Submission:

PreventionGenetics, part of Exact Sciences
Classification: Uncertain significance for UMOD-related condition. Last evaluated: 2023-02-13. Review status: criteria provided, single submitter. Criteria: ACMG Guidelines, 2015. Collection method: clinical testing. Allele origin: germline.
Comment: The UMOD c.845G>C variant is predicted to result in the amino acid substitution p.Cys282Ser. To our knowledge, this variant has not been reported in the literature or in a large population database, indicating it is rare. A different nucleotide substitution predicted to result in the same amino acid change was reported in a single individual with tubulointerstitial kidney disease (Olinger et al. 2020. PubMed ID: 32450155, Table S1), and a different missense substitution affecting the same amino acid (p.Cys282Arg) has been reported in multiple individuals with juvenile hyperuricaemic nephropathy (Dahan et al. 2003. PubMed ID: 14569098; Olinger et al. 2020. PubMed ID: 32450155, Table S1). Although we suspect the c.845G>C (p.Cys282Ser) variant may be pathogenic, at this time the clinical significance is uncertain due to the absence of conclusive functional and genetic evidence.

NM_003361.4(UMOD):c.845G>C (p.Cys282Ser)

Gene: UMOD (uromodulin; minus strand). Cytogenetic location: 16p12.3.
Variant type: single nucleotide variant.
Coding change: c.845G>C on transcript NM_003361.4 (MANE Select); coding-DNA position 845, G replaced by C.
Protein change: p.Cys282Ser; replaces cysteine 282 with serine.
Molecular consequence: missense variant. On other transcripts: non-coding transcript variant (1).
Genome position (GRCh38, 1-based): chr16:20,348,456, C>G on the plus strand (G>C on the coding strand, the complement: UMOD is on the minus strand). VCF-style: chr16-20348456-C-G. GRCh37 (hg19) VCF-style: chr16-20359778-C-G.
Other names: c.845G>C, p.Cys282Ser (NM_001008389.3, NM_001378232.1, NM_001378233.1 and 3 more transcripts); c.944G>C, p.Cys315Ser (NM_001278614.2); short protein forms C282S, C315S.
Identifiers: ClinVar variation 2630381 (VCV002630381.1), dbSNP rs2507385731, ClinGen allele CA394984102.